The following is an entry in ClinVar:

NC_000012.11:g.(?_122064454)_(122079947_?)dup

Gene: ORAI1 (ORAI calcium release-activated calcium modulator 1; plus strand). Cytogenetic location: 12q24.31.
Variant type: Duplication.
Identifiers: ClinVar variation 4687734 (VCV004687734.1).

ClinVar aggregate classification (germline): Uncertain significance (1 of 4 stars; one submission).

Submission:

Women's Health and Genetics/Laboratory Corporation of America, LabCorp
Classification: Uncertain significance. Last evaluated: 2025-10-27. Review status: criteria provided, single submitter. Criteria: LabCorp Variant Classification Summary - May 2015. Collection method: clinical testing. Allele origin: germline.
Comment: Variant summary: The variant involves the duplication of exons 1-2 in the ORAI1 gene. A presumed nomenclature of c.(?_-194)_(*398_?)dup has been designated for the purposes of this classification. This duplication includes the entire coding sequence of the gene. As exact breakpoints are unknown, it may extend beyond the annotated region of the gene, to include other flanking genes. The variant was absent in 21694 control chromosomes. The available data on variant occurrences in the general population are insufficient to allow any conclusion about variant significance. To our knowledge, no occurrence of c.(?_-194)_(*398_?)dup in individuals affected with ORAI1-related conditions and no experimental evidence demonstrating its impact on protein function have been reported. ClinVar contains an entry for this variant (Variation ID: 3244336). Based on the evidence outlined above, the variant was classified as uncertain significance.